The following is an entry in ClinVar:

ClinVar aggregate classification (germline): Pathogenic. Review status: reviewed by expert panel (3 of 4 stars). 6 submissions from 6 submitters: Pathogenic (1). 5 of the submissions do not count toward it. Last evaluated 2026-07-20.

Conditions:
CEP290-related ciliopathy. Also called: CEP290 ciliopathy. Identifiers: MedGen CN305601, MONDO:0100451.
Bardet-Biedl syndrome 14 (BBS14). Identifiers: Orphanet 110, MedGen C2673874, MONDO:0014442, OMIM 615991.
CEP290-related disorder. Also called: CEP290-related condition; CEP290-related disorders. Identifiers: MedGen CN239314.
Meckel-Gruber syndrome. Also called: Dysencephalia splachnocystica; DYSENCEPHALIA SPLANCHNOCYSTICA; GRUBER SYNDROME. Identifiers: Orphanet 564, MedGen C0265215, MONDO:0018921.
Nephronophthisis. Also called: Juvenile Nephronophthisis. Identifiers: Orphanet 655, MedGen C0687120, MONDO:0019005, HP:0000090.
Joubert syndrome. Also called: JOUBERT-BOLTSHAUSER SYNDROME; Familial aplasia of the vermis. Identifiers: Orphanet 475, MedGen C5979921, MONDO:0018772.
Leber congenital amaurosis (LCA). Also called: Leber's amaurosis. Identifiers: Orphanet 65, MedGen C0339527, MeSH D057130, MONDO:0018998.

Submissions (6):

ClinGen Leber Congenital Amaurosis/early Onset Retinal Dystrophy Variant Curation Expert Panel, ClinGen
Classification: Pathogenic for CEP290-related ciliopathy. Last evaluated: 2026-07-20. Review status: reviewed by expert panel. Criteria: ClinGen LCAeoRD ACMG Specifications CEP290 V1.0.0. Collection method: curation. Allele origin: germline. Inheritance: Autosomal recessive inheritance.
Comment: NM_025114.4(CEP290):c.955del (p.Ser319LeufsTer16) is a frameshift variant that introduces a premature stop codon into exon 12 of 54 and is predicted to lead to nonsense-mediated decay in a gene in which loss-of-function is an established mechanism of disease (PVS1). This variant is present in gnomAD v4.1.1 at a total allele frequency of 0.000003997, with 6 alleles / 1,501,066 total alleles, which is lower than the ClinGen LCA/eoRD VCEP PM2_Supporting threshold of <0.0006 (PM2_Supporting). The variant has been reported to segregate with retinal dystrophy through the proband plus 1 more mildly affected relative, with the variant present in the compound heterozygous state (PMID: 39766851, PP1). In summary, this variant meets the criteria to be classified as Pathogenic for CEP290-related ciliopathy based on the ACMG/AMP criteria applied, as specified by the ClinGen LCA/eoRD VCEP: PVS1, PM2_Supporting, PP4, and PP1.(LCA/eoRD VCEP Specifications for CEP290 Version 1.0.0)

Myriad Genetics, Inc.
Classification: Pathogenic for CEP290-related ciliopathy. Last evaluated: 2025-12-16. Review status: criteria provided, single submitter. Criteria: Myriad Autosomal Dominant, Autosomal Recessive and X-Linked Classification Criteria (2023). Collection method: clinical testing. Allele origin: unknown. Not counted in ClinVar's aggregate classification.
Comment: NM_025114.3(CEP290):c.955delT(S319Lfs*16) is a frameshift variant classified as pathogenic in the context of CEP290-related disorders. S319Lfs*16 has been observed in a case with relevant disease (PMID: 39766851). Relevant functional assessments of this variant are not available in the literature. S319Lfs*16 has been observed in referenced population frequency databases. In summary, NM_025114.3(CEP290):c.955delT(S319Lfs*16) is a frameshift variant in a gene where loss of function is a known mechanism of disease, is predicted to disrupt protein function, and has been observed more frequently in cases with the relevant disease than in healthy populations. Please note: this variant was assessed in the context of healthy population screening.

Natera, Inc.
Classification: Pathogenic for Leber congenital amaurosis. Last evaluated: 2025-11-05. Review status: criteria provided, single submitter. Criteria: Natera Variant Classification Schema (03/2026). Collection method: clinical testing. Allele origin: germline. Not counted in ClinVar's aggregate classification.
Comment: The c.955del variant in CEP290 is a frameshift variant predicted to shift the reading frame beginning at codon 319 and leads to a stop codon 16 codons downstream. This variant is expected to result in nonsense mediated decay, truncation, or a dysfunctional protein product. This variant is rare in the general population with a frequency below the threshold expected for the associated phenotype(s). This variant has been observed in one or more individuals affected with the associated recessive disease, as either homozygous or compound heterozygous with a second variant (PMID: 37510321, 23351400). Given the available evidence, this variant is classified as Pathogenic.

Baylor Genetics
Classification: Pathogenic for Bardet-Biedl syndrome 14. Last evaluated: 2024-03-22. Review status: criteria provided, single submitter. Criteria: ACMG Guidelines, 2015. Collection method: clinical testing. Allele origin: unknown. Not counted in ClinVar's aggregate classification.

Labcorp Genetics (formerly Invitae), Labcorp
Classification: Pathogenic for Joubert syndrome; Meckel-Gruber syndrome; Nephronophthisis. Last evaluated: 2024-02-19. Review status: criteria provided, single submitter. Criteria: Invitae Variant Classification Sherloc (09022015). Collection method: clinical testing. Allele origin: germline. Not counted in ClinVar's aggregate classification.
Comment: This sequence change creates a premature translational stop signal (p.Ser319Leufs*16) in the CEP290 gene. It is expected to result in an absent or disrupted protein product. Loss-of-function variants in CEP290 are known to be pathogenic (PMID: 16909394, 17345604, 20690115). This variant is present in population databases (rs764507012, gnomAD 0.001%). This premature translational stop signal has been observed in individual(s) with CEP290-related conditions (PMID: 23351400). ClinVar contains an entry for this variant (Variation ID: 1073010). For these reasons, this variant has been classified as Pathogenic.

Blueprint Genetics
Classification: Likely pathogenic for CEP290-related disorders. Last evaluated: 2022-03-11. Review status: criteria provided, single submitter. Criteria: ACMG Guidelines, 2015. Collection method: clinical testing. Allele origin: germline. Affected: yes. Observed: 2 variant alleles. Not counted in ClinVar's aggregate classification.

Literature cited by the submitters: PubMed 39766851 (cited by Myriad Genetics, Inc.); PubMed 37510321 (cited by Natera, Inc.); PubMed 23351400 (cited by Natera, Inc. and Labcorp Genetics (formerly Invitae), Labcorp); PubMed 16909394 (cited by Labcorp Genetics (formerly Invitae), Labcorp); PubMed 17345604 (cited by Labcorp Genetics (formerly Invitae), Labcorp); PubMed 20690115 (cited by Labcorp Genetics (formerly Invitae), Labcorp).

NM_025114.4(CEP290):c.955del (p.Ser319fs)

Gene: CEP290 (centrosomal protein 290; minus strand). Cytogenetic location: 12q21.32.
Variant type: Deletion.
Coding change: c.955del on transcript NM_025114.4 (MANE Select); coding-DNA position 955, one base deleted (T; older notation c.955delT).
Protein change: p.Ser319fs; shifts the reading frame from serine 319.
Molecular consequence: frameshift variant.
Genome position (GRCh38, 1-based): chr12:88,126,426, A deleted on the plus strand (T on the coding strand, the reverse complement: CEP290 is on the minus strand); the first of 2 consecutive A bases (chr12:88,126,426-88,126,427); deleting either gives the same sequence. VCF-style (leftmost placement, unchanged base first): chr12-88126425-GA-G. GRCh37 (hg19) VCF-style: chr12-88520202-GA-G.
Other names: NM_025114.4(CEP290):c.955del; p.Ser319fs; c.955del (NM_025114.3); short protein forms S319fs.
Identifiers: ClinVar variation 1073010 (VCV001073010.14), dbSNP rs764507012, ClinGen allele CA6712649.
Genomic context (GRCh38, chr12:88,126,425, plus strand): 5'-TTAAGTTTCTCCCTTAGGTTATGTAACATTTGCTGATACTCAATAATTTCATCATCTTTA[GA>G]AGACAAAATTAGCTAGAAATAAACACAATAGAATCTGTTATGCAAAAGGAAAGTTAATAA-3'